The following is an entry in ClinVar:

ClinVar aggregate classification (germline): VUS-high (1 of 4 stars; one submission).

Conditions:
Cardiomyopathy, dilated, with wooly hair, keratoderma, and tooth agenesis. Also called: Cardiomyopathy, dilated, with woolly hair, keratoderma, and tooth agenesis; Erythrokeratodermia-cardiomyopathy syndrome. Identifiers: Orphanet 476096, Orphanet 65282, MedGen C4014393, MONDO:0014355, OMIM 615821.

Submission:

Center for Molecular Medicine, Children’s Hospital of Fudan University
Classification: VUS-high for Cardiomyopathy, dilated, with wooly hair, keratoderma, and tooth agenesis. Last evaluated: 2025-12-12. Review status: criteria provided, single submitter. Criteria: ACMG Guidelines 2015. Collection method: clinical testing. Allele origin: de novo.
Comment: PM4+PM6+PM2_Supp

NM_004415.4(DSP):c.1769TCA[1] (p.Ile591del)

Gene: DSP (desmoplakin; plus strand). Cytogenetic location: 6p24.3.
Variant type: Microsatellite.
Coding change: c.1769TCA[1] on transcript NM_004415.4 (MANE Select); one copy of the 3-base unit TCA starting at c.1769; the reference has two copies in a row; one copy, 3 bases deleted; also written c.1772_1774del.
Protein change: p.Ile591del; deletes isoleucine 591.
Molecular consequence: inframe deletion.
Genome position (GRCh38, 1-based): chr6:7,571,453-7,571,455, TCA deleted; deleting any 3 consecutive bases within chr6:7,571,450-7,571,455 gives the same sequence; the position shown is the placement nearest the transcript's 3' end. VCF-style (leftmost placement, unchanged base first): chr6-7571449-TTCA-T. GRCh37 (hg19) VCF-style: chr6-7571682-TTCA-T.
Other names: c.1769TCA[1], p.Ile591del (NM_001008844.3, NM_001319034.2); c.1772_1774del (NM_004415.4); short protein forms I591del.
Identifiers: ClinVar variation 5037763 (VCV005037763.1).